The following is an entry in ClinVar:

NM_001159699.2(FHL1):c.863A>G (p.Tyr288Cys)

Gene: FHL1 (four and a half LIM domains 1; plus strand). Cytogenetic location: Xq26.3.
Variant type: single nucleotide variant.
Coding change: c.863A>G on transcript NM_001159699.2 (MANE Select); coding-DNA position 863, A replaced by G.
Protein change: p.Tyr288Cys; replaces tyrosine 288 with cysteine.
Molecular consequence: missense variant. On other transcripts: 3 prime UTR variant (7), non-coding transcript variant (1).
Genome position (GRCh38, 1-based): chrX:136,209,997, A>G. VCF-style: chrX-136209997-A-G. GRCh37 (hg19) VCF-style: chrX-135292156-A-G.
Other names: c.815A>G, p.Tyr272Cys (NM_001159700.2, NM_001159704.1, NM_001167819.1 and 4 more transcripts); c.902A>G, p.Tyr301Cys (NM_001159701.2); c.*43A>G (NM_001159702.3, NM_001159703.2, NM_001330659.2 and 4 more transcripts); short protein forms Y301C, Y272C, Y288C.
Identifiers: ClinVar variation 4727578 (VCV004727578.1).

ClinVar aggregate classification (germline): Uncertain significance (1 of 4 stars; one submission).

Conditions:
X-linked myopathy with postural muscle atrophy. Also called: FHL1-Related Emery-Dreifuss Muscular Dystrophy, X-Linked. Identifiers: Orphanet 178461, MedGen C2678055, MONDO:0010401, OMIM 300696.

Submission:

Labcorp Genetics (formerly Invitae), Labcorp
Classification: Uncertain significance for X-linked myopathy with postural muscle atrophy. Last evaluated: 2025-09-21. Review status: criteria provided, single submitter. Criteria: Invitae Variant Classification Sherloc (09022015). Collection method: clinical testing. Allele origin: germline.
Comment: This sequence change replaces tyrosine, which is neutral and polar, with cysteine, which is neutral and slightly polar, at codon 272 of the FHL1 protein (p.Tyr272Cys). This variant is not present in population databases (gnomAD no frequency). This variant has not been reported in the literature in individuals affected with FHL1-related conditions. An algorithm developed to predict the effect of missense changes on protein structure and function (PolyPhen-2) suggests that this variant is likely to be disruptive. Algorithms developed to predict the effect of sequence changes on RNA splicing suggest that this variant may create or strengthen a splice site. In summary, the available evidence is currently insufficient to determine the role of this variant in disease. Therefore, it has been classified as a Variant of Uncertain Significance.